The following is an entry in ClinVar:

ClinVar aggregate classification (germline): Pathogenic (1 of 4 stars; one submission).

Conditions:
Hereditary cancer-predisposing syndrome. Also called: Neoplastic Syndromes, Hereditary; Tumor predisposition; Hereditary Cancer Syndrome; Hereditary neoplastic syndrome. Identifiers: Orphanet 140162, MedGen C0027672, MeSH D009386, MONDO:0015356.

Submission:

Ambry Genetics
Classification: Pathogenic for Hereditary cancer-predisposing syndrome. Last evaluated: 2019-11-19. Review status: criteria provided, single submitter. Criteria: Ambry Variant Classification Scheme 2023. Collection method: clinical testing. Allele origin: germline.
Comment: The c.1570_1571dupAT pathogenic mutation, located in coding exon 9 of the BRCA2 gene, results from a duplication of AT at nucleotide position 1570, causing a translational frameshift with a predicted alternate stop codon (p.M524Ifs*2). This alteration is expected to result in loss of function by premature protein truncation or nonsense-mediated mRNA decay. As such, this alteration is interpreted as a disease-causing mutation.

NM_000059.4(BRCA2):c.1570_1571dup (p.Met524fs)

Gene: BRCA2 (BRCA2 DNA repair associated; plus strand). Cytogenetic location: 13q13.1.
Variant type: Microsatellite.
Coding change: c.1570_1571dup on transcript NM_000059.4 (MANE Select); coding-DNA positions 1570 to 1571, 2 bases duplicated (AT; older notation c.1570_1571dupAT).
Protein change: p.Met524fs; shifts the reading frame from methionine 524.
Molecular consequence: frameshift variant.
Genome position (GRCh38, 1-based): chr13:32,333,048-32,333,049, AT duplicated; duplicating any 2 consecutive bases within chr13:32,333,046-32,333,049 gives the same sequence; the c. name uses the placement nearest the transcript's 3' end. VCF-style (leftmost placement, unchanged base first): chr13-32333045-C-CAT. GRCh37 (hg19) VCF-style: chr13-32907182-C-CAT.
Other names: short protein forms M524fs.
Identifiers: ClinVar variation 819570 (VCV000819570.4), dbSNP rs863224824, ClinGen allele CA915946965.
Genomic context (GRCh38, chr13:32,333,045, plus strand): 5'-AAGTCTATATTCAGAATAAGAGAATCACCTAAAGAGACTTTCAATGCAAGTTTTTCAGGT[C>CAT]ATATGACTGATCCAAACTTTAAAAAAGAAACTGAAGCCTCTGAAAGTGGACTGGAAATAC-3'